The following is an entry in ClinVar:

ClinVar aggregate classification (germline): Uncertain significance (1 of 4 stars; one submission).

Conditions:
Inborn genetic diseases. Identifiers: MedGen C0950123, MeSH D030342.

Allele frequency attached by ClinVar (database versions not stated): gnomAD 0.00003; gnomAD exomes 0.00003; TOPMed 0.00003.
gnomAD v4.1: 47 of 1,558,052 alleles (0.003%); highest among the groups gnomAD compares: Non-Finnish European, 0.0038%; no homozygotes.

Submission:

Ambry Genetics
Classification: Uncertain significance for Inborn genetic diseases. Last evaluated: 2024-03-14. Review status: criteria provided, single submitter. Criteria: Ambry Variant Classification Scheme 2023. Collection method: clinical testing. Allele origin: germline.
Comment: The c.1185+4C>T intronic alteration consists of a C to T substitution nucleotides after coding exon 10 in the INPP5K gene. Based on insufficient or conflicting evidence, the clinical significance of this alteration remains unclear.

NM_016532.4(INPP5K):c.1185+4C>T

Gene: INPP5K (inositol polyphosphate-5-phosphatase K; minus strand). Cytogenetic location: 17p13.3.
Variant type: single nucleotide variant.
Coding change: c.1185+4C>T on transcript NM_016532.4 (MANE Select); 4 bases into the intron after coding-DNA position 1185, C replaced by T.
Molecular consequence: intron variant.
Genome position (GRCh38, 1-based): chr17:1,496,315, G>A on the plus strand (C>T on the coding strand, the complement: INPP5K is on the minus strand). VCF-style: chr17-1496315-G-A. GRCh37 (hg19) VCF-style: chr17-1399609-G-A.
Other names: c.957+4C>T (NM_130766.3, NM_001135642.2).
Identifiers: ClinVar variation 3109857 (VCV003109857.1), dbSNP rs779287248, ClinGen allele CA8268335.
Genomic context (GRCh38, chr17:1,496,315, plus strand): 5'-CCACAAGACAGGAGTGCTGAGGCAGGCCTGCCTGCTGGTGATGTACCTGGTGCTGGTGAC[G>A]TACCTGGTTCAGGTTGTCGCTGCAGGAGACCTTGCTGTCCCCGACCCAGGCATAGGACAC-3'